The following is an entry in ClinVar:

ClinVar aggregate classification (germline): Uncertain significance (1 of 4 stars; one submission).

Conditions:
Hereditary cancer-predisposing syndrome. Also called: Neoplastic Syndromes, Hereditary; Tumor predisposition; Hereditary Cancer Syndrome; Hereditary neoplastic syndrome. Identifiers: Orphanet 140162, MedGen C0027672, MeSH D009386, MONDO:0015356.

Submission:

Ambry Genetics
Classification: Uncertain significance for Hereditary cancer-predisposing syndrome. Last evaluated: 2020-12-29. Review status: criteria provided, single submitter. Criteria: Ambry Variant Classification Scheme 2023. Collection method: clinical testing. Allele origin: germline.
Comment: The p.E623D variant (also known as c.1869G>T), located in coding exon 11 of the SMARCA4 gene, results from a G to T substitution at nucleotide position 1869. The glutamic acid at codon 623 is replaced by aspartic acid, an amino acid with highly similar properties. This amino acid position is well conserved in available vertebrate species. In addition, this alteration is predicted to be tolerated by in silico analysis. Missense and in-frame variants in SMARCA4 are known to cause neurodevelopmental disorders; however, such associations with rhabdoid tumor predisposition syndrome including small cell carcinoma of the ovary-hypercalcemic type (SCCOHT) are exceedingly rare (Kosho T et al. Am J Med Genet C Semin Med Genet. 2014 Sep;166C(3):262-75; Jelinic P et al. Nat Genet. 2014 May;46(5):424-6). Based on the supporting evidence, the association of this alteration with Coffin-Siris syndrome is unknown; however, the association of this alteration with rhabdoid tumor predisposition syndrome is unlikely.

NM_003072.5(SMARCA4):c.1869G>T (p.Glu623Asp)

Gene: SMARCA4 (SWI/SNF related BAF chromatin remodeling complex subunit ATPase 4; plus strand). Cytogenetic location: 19p13.2.
Variant type: single nucleotide variant.
Coding change: c.1869G>T on transcript NM_003072.5 (MANE Select); coding-DNA position 1869, G replaced by T.
Protein change: p.Glu623Asp; replaces glutamic acid 623 with aspartic acid.
Molecular consequence: missense variant. On other transcripts: non-coding transcript variant (1).
Genome position (GRCh38, 1-based): chr19:11,003,085, G>T. VCF-style: chr19-11003085-G-T. GRCh37 (hg19) VCF-style: chr19-11113761-G-T.
Other names: c.1869G>T, p.Glu623Asp (NM_001128844.3, NM_001128845.2, NM_001128846.2 and 6 more transcripts); short protein forms E623D.
Identifiers: ClinVar variation 1781628 (VCV001781628.2), dbSNP rs771540004, ClinGen allele CA404051513.